The following is an entry in ClinVar:

NM_006440.5(TXNRD2):c.229+5G>C

Gene: TXNRD2 (thioredoxin reductase 2; minus strand). Cytogenetic location: 22q11.21.
Variant type: single nucleotide variant.
Coding change: c.229+5G>C on transcript NM_006440.5 (MANE Select); 5 bases into the intron after coding-DNA position 229, G replaced by C.
Molecular consequence: intron variant.
Genome position (GRCh38, 1-based): chr22:19,919,538, C>G on the plus strand (G>C on the coding strand, the complement: TXNRD2 is on the minus strand). VCF-style: chr22-19919538-C-G. GRCh37 (hg19) VCF-style: chr22-19907061-C-G.
Other names: c.226+5G>C (NM_001352300.2); c.-60+5G>C (NM_001352302.2); c.139+5G>C (NM_001352301.2); c.229+5G>C (NM_001282512.3); c.133+5G>C (NM_001352303.2).
Identifiers: ClinVar variation 1789095 (VCV001789095.2), dbSNP rs1478755042, ClinGen allele CA2580099111.

ClinVar aggregate classification (germline): Uncertain significance (1 of 4 stars; one submission).

Conditions:
Cardiovascular phenotype. Identifiers: MedGen CN230736.

Submission:

Ambry Genetics
Classification: Uncertain significance for Cardiovascular phenotype. Last evaluated: 2021-08-31. Review status: criteria provided, single submitter. Criteria: Ambry Variant Classification Scheme 2023. Collection method: clinical testing. Allele origin: germline.
Comment: The c.229+5G>C intronic variant results from a G to C substitution 5 nucleotides after coding exon 3 in the TXNRD2 gene. This nucleotide position is highly conserved in available vertebrate species. In silico splice site analysis predicts that this alteration will not have any significant effect on splicing. Since supporting evidence is limited at this time, the clinical significance of this alteration remains unclear.